The following is an entry in ClinVar:

ClinVar aggregate classification (germline): Likely benign. Review status: criteria provided, multiple submitters, no conflicts (2 of 4 stars). 4 submissions from 4 submitters: Likely benign (3). 1 of the submissions does not count toward it. Last evaluated 2026-04-12.

Conditions:
Usher syndrome type 1 (USH1). Also called: RETINITIS PIGMENTOSA AND CONGENITAL DEAFNESS. Identifiers: Orphanet 231169, Orphanet 886, MedGen C1568247, MONDO:0010168, OMIM 276900.
CDH23-related disorder. Also called: CDH23-related disorders; CDH23-related condition.

Allele frequency attached by ClinVar (database versions not stated): 1000 Genomes Project 30x 0.00016; 1000 Genomes Project 0.00020; gnomAD exomes 0.00021.
gnomAD v4.1: 157 of 1,612,336 alleles (0.0097%); highest among the groups gnomAD compares: South Asian, 0.16%; 1 homozygote.

Submissions (4):

PreventionGenetics, part of Exact Sciences
Classification: Likely benign for CDH23-related condition. Last evaluated: 2026-04-12. Review status: criteria provided, single submitter. Criteria: ACMG Guidelines, 2015. Collection method: clinical testing. Allele origin: germline.
Comment: This variant is classified as likely benign based on ACMG/AMP sequence variant interpretation guidelines (Richards et al. 2015 PMID: 25741868, with internal and published modifications).

Labcorp Genetics (formerly Invitae), Labcorp
Classification: Likely benign. Last evaluated: 2026-01-27. Review status: criteria provided, single submitter. Criteria: Invitae Variant Classification Sherloc (09022015). Collection method: clinical testing. Allele origin: germline.

Blueprint Genetics
Classification: Likely benign. Last evaluated: 2023-07-19. Review status: criteria provided, single submitter. Criteria: ACMG Guidelines, 2015. Collection method: clinical testing. Allele origin: germline.

Natera, Inc.
Classification: Uncertain significance for Usher syndrome type 1. Last evaluated: 2020-04-17. Review status: no assertion criteria provided. Collection method: clinical testing. Allele origin: germline. Not counted in ClinVar's aggregate classification.

NM_022124.6(CDH23):c.8901T>G (p.Arg2967=)

Gene: CDH23 (cadherin related 23; plus strand). Cytogenetic location: 10q22.1.
Variant type: single nucleotide variant.
Coding change: c.8901T>G on transcript NM_022124.6 (MANE Select); coding-DNA position 8901, T replaced by G.
Protein change: p.Arg2967=; no amino-acid change (arginine 2967 retained).
Molecular consequence: synonymous variant.
Genome position (GRCh38, 1-based): chr10:71,809,998, T>G. VCF-style: chr10-71809998-T-G. GRCh37 (hg19) VCF-style: chr10-73569755-T-G.
Other names: c.2181T>G, p.Arg727= (NM_001171933.1, NM_001171934.1).
Identifiers: ClinVar variation 766301 (VCV000766301.14), dbSNP rs375720093, ClinGen allele CA5546785.
Genomic context (GRCh38, chr10:71,809,998, plus strand): 5'-CATCTACATCCTGAGGGACGACCAGCGCGTCAAGATCGTCATTAACGAGATCCCCGACCG[T>G]GTGCGCGGCTTCGAGGAGGAGTTCATCCACCTGCTCTCCAACATCACTGGGGCCATTGTC-3'
Protein context (NP_071407.4, residues 2957-2977): VKIVINEIPD[Arg2967=]VRGFEEEFIH